The following is an entry in ClinVar:

NM_003238.6(TGFB2):c.*1684G>C

Genes: TGFB2 (transforming growth factor beta 2; plus strand), TGFB2-OT1 (TGFB2 overlapping transcript 1; plus strand). Cytogenetic location: 1q41.
Variant type: single nucleotide variant.
Coding change: c.*1684G>C on transcript NM_003238.6 (MANE Select); 1684 bases downstream of the stop codon, G replaced by C.
Molecular consequence: 3 prime UTR variant. On other transcripts: non-coding transcript variant (3).
Genome position (GRCh38, 1-based): chr1:218,443,046, G>C. VCF-style: chr1-218443046-G-C. GRCh37 (hg19) VCF-style: chr1-218616388-G-C.
Other names: c.*1684G>C (NM_001135599.4).
Identifiers: ClinVar variation 295522 (VCV000295522.5), dbSNP rs192396801, ClinGen allele CA10609139.
Genomic context (GRCh38, chr1:218,443,046, plus strand): 5'-TCAGGGGGAAATTGAAAGATATATATTTTAGTCGATTTTTCAAAAGGGGAAAAAAGTCCA[G>C]GTCAGCATAAGTCATTTTGTGTATTTCACTGAAGTTATAAGGTTTTTATAAATGTTCTTT-3'

ClinVar aggregate classification (germline): Benign (1 of 4 stars; one submission).

Conditions:
Loeys-Dietz syndrome 4 (LDS4). Also called: ANEURYSM, AORTIC AND CEREBRAL, WITH ARTERIAL TORTUOSITY AND SKELETAL MANIFESTATIONS; TGFB2-Related Loeys-Dietz Syndrome. Identifiers: MedGen C3553762, MONDO:0013897, OMIM 614816.

Allele frequency attached by ClinVar (database versions not stated): 1000 Genomes Project 0.00180; 1000 Genomes Project 30x 0.00203; TOPMed 0.00268; gnomAD 0.00438 and 0.00452.

Submission:

Illumina Laboratory Services, Illumina
Classification: Benign for Loeys-Dietz syndrome 4. Last evaluated: 2018-01-13. Review status: criteria provided, single submitter. Criteria: ICSL Variant Classification Criteria 13 December 2019. Collection method: clinical testing. Allele origin: germline.
Comment: This variant was observed in the ICSL laboratory as part of a predisposition screen in an ostensibly healthy population. It had not been previously curated by ICSL or reported in the Human Gene Mutation Database (HGMD: prior to June 1st, 2018), and was therefore a candidate for classification through an automated scoring system. Utilizing variant allele frequency, disease prevalence and penetrance estimates, and inheritance mode, an automated score was calculated to assess if this variant is too frequent to cause the disease. Based on the score and internal cut-off values, a variant classified as benign is not then subjected to further curation. The score for this variant resulted in a classification of benign for this disease.